The following is an entry in ClinVar:

ClinVar aggregate classification (germline): Uncertain significance (1 of 4 stars; one submission).

Conditions:
Inborn genetic diseases. Identifiers: MedGen C0950123, MeSH D030342.

Submission:

Ambry Genetics
Classification: Uncertain significance for Inborn genetic diseases. Last evaluated: 2024-12-03. Review status: criteria provided, single submitter. Criteria: Ambry Variant Classification Scheme 2023. Collection method: clinical testing. Allele origin: germline.
Comment: The p.E752Q variant (also known as c.2254G>C), located in coding exon 14 of the RECQL4 gene, results from a G to C substitution at nucleotide position 2254. The glutamic acid at codon 752 is replaced by glutamine, an amino acid with highly similar properties. This amino acid position is conserved. In addition, this alteration is predicted to be tolerated by in silico analysis. Based on the available evidence, the clinical significance of this variant remains unclear.

NM_004260.4(RECQL4):c.2254G>C (p.Glu752Gln)

Gene: RECQL4 (RecQ like helicase 4; minus strand). Cytogenetic location: 8q24.3.
Variant type: single nucleotide variant.
Coding change: c.2254G>C on transcript NM_004260.4 (MANE Select); coding-DNA position 2254, G replaced by C.
Protein change: p.Glu752Gln; replaces glutamic acid 752 with glutamine.
Molecular consequence: missense variant. On other transcripts: non-coding transcript variant (3).
Genome position (GRCh38, 1-based): chr8:144,513,427, C>G on the plus strand (G>C on the coding strand, the complement: RECQL4 is on the minus strand). VCF-style: chr8-144513427-C-G. GRCh37 (hg19) VCF-style: chr8-145738811-C-G.
Other names: c.2158G>C, p.Glu720Gln (NM_001413017.1, NM_001413020.1); c.2254G>C, p.Glu752Gln (NM_001413018.1, NM_001413019.1, NM_001413036.1); c.1183G>C, p.Glu395Gln (NM_001413021.1, NM_001413022.1, NM_001413023.1 and 6 more transcripts); c.2125G>C, p.Glu709Gln (NM_001413025.1); c.1117G>C, p.Glu373Gln (NM_001413027.1, NM_001413030.1, NM_001413032.1 and 1 more transcripts); c.1903G>C, p.Glu635Gln (NM_001413029.1); c.985G>C, p.Glu329Gln (NM_001413031.1); c.2122G>C, p.Glu708Gln (NM_001413033.1); and 4 more; short protein forms E385Q, E708Q, E742Q, E752Q, E263Q, E373Q, E395Q, E635Q.
Identifiers: ClinVar variation 3431906 (VCV003431906.1).
Genomic context (GRCh38, chr8:144,513,427, plus strand): 5'-CCGTGGCCACCACCACCCGCAACTGGCCCTGCATGAAGGCTCGCTGTACCCGCCGCCGTT[C>G]CCGGCTGCACATGCCCGCGTGGTAGGCCTCGGCTGTGGTTTTGGGGGCACGACCTTTGGG-3'
Protein context (NP_004251.4, residues 742-762): EAYHAGMCSR[Glu752Gln]RRRVQRAFMQ